The following is an entry in ClinVar:

NM_182961.4(SYNE1):c.12668G>T (p.Arg4223Leu)

Gene: SYNE1 (spectrin repeat containing nuclear envelope protein 1; minus strand). Cytogenetic location: 6q25.2.
Variant type: single nucleotide variant.
Coding change: c.12668G>T on transcript NM_182961.4 (MANE Select); coding-DNA position 12668, G replaced by T.
Protein change: p.Arg4223Leu; replaces arginine 4223 with leucine.
Molecular consequence: missense variant.
Genome position (GRCh38, 1-based): chr6:152,334,134, C>A on the plus strand (G>T on the coding strand, the complement: SYNE1 is on the minus strand). VCF-style: chr6-152334134-C-A. GRCh37 (hg19) VCF-style: chr6-152655269-C-A.
Other names: c.12455G>T, p.Arg4152Leu (NM_033071.5); short protein forms R4152L, R4223L.
Identifiers: ClinVar variation 1037916 (VCV001037916.10), dbSNP rs140492158, ClinGen allele CA4056338.

ClinVar aggregate classification (germline): Uncertain significance (1 of 4 stars; one submission).

Conditions:
Emery-Dreifuss muscular dystrophy 4, autosomal dominant (EDMD4). Also called: EMERY-DREIFUSS MUSCULAR DYSTROPHY 4 WITH VARIABLE FEATURES. Identifiers: Orphanet 261, MedGen C2751807, MONDO:0013071, OMIM 612998.
Autosomal recessive ataxia, Beauce type. Also called: Spinocerebellar ataxia, autosomal recessive 8; ATAXIA, RECESSIVE, OF BEAUCE; SYNE1 Deficiency; SYNE1-Related Autosomal Recessive Cerebellar Ataxia. Identifiers: Orphanet 88644, MedGen C1853116, MONDO:0012549, OMIM 610743.

Allele frequency attached by ClinVar (database versions not stated): TOPMed 0.00002.
gnomAD v4.1: 2 of 1,614,150 alleles (0.00012%); highest among the groups gnomAD compares: East Asian, 0.0045%; no homozygotes.

Submission:

Labcorp Genetics (formerly Invitae), Labcorp
Classification: Uncertain significance for Emery-Dreifuss muscular dystrophy 4, autosomal dominant; Autosomal recessive ataxia, Beauce type. Last evaluated: 2022-08-16. Review status: criteria provided, single submitter. Criteria: Invitae Variant Classification Sherloc (09022015). Collection method: clinical testing. Allele origin: germline.
Comment: This sequence change replaces arginine, which is basic and polar, with leucine, which is neutral and non-polar, at codon 4152 of the SYNE1 protein (p.Arg4152Leu). This variant is present in population databases (rs140492158, gnomAD 0.01%). In summary, the available evidence is currently insufficient to determine the role of this variant in disease. Therefore, it has been classified as a Variant of Uncertain Significance. Algorithms developed to predict the effect of missense changes on protein structure and function output the following: SIFT: "Tolerated"; PolyPhen-2: "Benign"; Align-GVGD: "Class C0". The leucine amino acid residue is found in multiple mammalian species, which suggests that this missense change does not adversely affect protein function. ClinVar contains an entry for this variant (Variation ID: 1037916). This variant has not been reported in the literature in individuals affected with SYNE1-related conditions.